The following is an entry in ClinVar:

ClinVar aggregate classification (germline): Pathogenic (1 of 4 stars; one submission).

Submission:

Labcorp Genetics (formerly Invitae), Labcorp
Classification: Pathogenic. Last evaluated: 2022-01-16. Review status: criteria provided, single submitter. Criteria: Invitae Variant Classification Sherloc (09022015). Collection method: clinical testing. Allele origin: germline.
Comment: This variant has not been reported in the literature in individuals affected with SKIV2L-related conditions. For these reasons, this variant has been classified as Pathogenic. This variant is not present in population databases (gnomAD no frequency). This sequence change creates a premature translational stop signal (p.Gln949*) in the SKIV2L gene. It is expected to result in an absent or disrupted protein product. Loss-of-function variants in SKIV2L are known to be pathogenic (PMID: 22444670).

Literature cited by the submitters: PubMed 22444670.

NM_006929.5(SKIC2):c.2845C>T (p.Gln949Ter)

Gene: SKIC2 (SKI2 subunit of superkiller complex; plus strand). Cytogenetic location: 6p21.33.
Variant type: single nucleotide variant.
Coding change: c.2845C>T on transcript NM_006929.5 (MANE Select); coding-DNA position 2845, C replaced by T.
Protein change: p.Gln949Ter; replaces glutamine 949 with a stop codon.
Molecular consequence: nonsense.
Genome position (GRCh38, 1-based): chr6:31,968,069, C>T. VCF-style: chr6-31968069-C-T. GRCh37 (hg19) VCF-style: chr6-31935846-C-T.
Other names: short protein forms Q949*.
Identifiers: ClinVar variation 2086017 (VCV002086017.4), dbSNP rs2482991939, ClinGen allele CA363479269.